The following is an entry in ClinVar:

NM_001136191.3(KANK2):c.1418-6C>T

Gene: KANK2 (KN motif and ankyrin repeat domains 2; minus strand). Cytogenetic location: 19p13.2.
Variant type: single nucleotide variant.
Coding change: c.1418-6C>T on transcript NM_001136191.3 (MANE Select); 6 bases into the intron before coding-DNA position 1418, C replaced by T.
Molecular consequence: intron variant. On other transcripts: missense variant (8).
Genome position (GRCh38, 1-based): chr19:11,178,453, G>A on the plus strand (C>T on the coding strand, the complement: KANK2 is on the minus strand). VCF-style: chr19-11178453-G-A. GRCh37 (hg19) VCF-style: chr19-11289129-G-A.
Other names: p.?; c.1436C>T, p.Pro479Leu (NM_001379548.1, NM_001379549.1, NM_001379550.1 and 5 more transcripts); c.1418-6C>T (NM_001379562.1, NM_001379563.1, NM_001329451.2 and 7 more transcripts); short protein forms P479L.
Identifiers: ClinVar variation 777445 (VCV000777445.13), dbSNP rs114414326, ClinGen allele CA9205674.

ClinVar aggregate classification (germline): Benign/Likely benign. Review status: criteria provided, multiple submitters, no conflicts (2 of 4 stars). 4 submissions from 4 submitters: Benign (2); Likely benign (2). Last evaluated 2026-02-01.

Allele frequency attached by ClinVar (database versions not stated): gnomAD 0.01556 and 0.01453; 1000 Genomes Project 0.01577; gnomAD exomes 0.00366; ExAC 0.00457; TOPMed 0.01459; ESP Exome Variant Server 0.01500; 1000 Genomes Project 30x 0.01546.
gnomAD v4.1: 4,265 of 1,600,306 alleles (0.27%); highest among the groups gnomAD compares: African/African-American, 4.8%; 77 homozygotes.

Submissions (4):

Labcorp Genetics (formerly Invitae), Labcorp
Classification: Benign. Last evaluated: 2026-02-01. Review status: criteria provided, single submitter. Criteria: Invitae Variant Classification Sherloc (09022015). Collection method: clinical testing. Allele origin: germline.

Mayo Clinic Laboratories, Mayo Clinic
Classification: Benign. Last evaluated: 2023-03-30. Review status: criteria provided, single submitter. Criteria: ACMG Guidelines, 2015. Collection method: clinical testing. Allele origin: germline. Observed: 7 variant alleles.
Comment: BS1, BP4, BP7

GeneDx
Classification: Likely benign. Last evaluated: 2021-04-29. Review status: criteria provided, single submitter. Criteria: GeneDx Variant Classification Process June 2021. Collection method: clinical testing. Allele origin: germline. Affected: yes.

Breakthrough Genomics
Classification: Likely benign. Review status: criteria provided, single submitter. Criteria: ACMG Guidelines, 2015. Collection method: not provided. Allele origin: germline. Inheritance: Autosomal recessive inheritance. Affected: yes.